The following is an entry in ClinVar:

ClinVar aggregate classification (germline): Benign (1 of 4 stars; one submission).

Conditions:
Charcot-Marie-Tooth disease dominant intermediate C (CMTDIC). Also called: CHARCOT-MARIE-TOOTH NEUROPATHY, DOMINANT INTERMEDIATE C. Identifiers: Orphanet 100045, MedGen C1842237, MONDO:0012012, OMIM 608323.

Allele frequency attached by ClinVar (database versions not stated): gnomAD 0.00218 and 0.00204; 1000 Genomes Project 0.00300; TOPMed 0.00302; 1000 Genomes Project 30x 0.00328.
gnomAD v4.1: 468 of 683,688 alleles (0.068%); highest among the groups gnomAD compares: African/African-American, 0.64%; 4 homozygotes.

Submission:

Illumina Laboratory Services, Illumina
Classification: Benign for Charcot-Marie-Tooth disease dominant intermediate C. Last evaluated: 2018-01-13. Review status: criteria provided, single submitter. Criteria: ICSL Variant Classification Criteria 13 December 2019. Collection method: clinical testing. Allele origin: germline.
Comment: This variant was observed in the ICSL laboratory as part of a predisposition screen in an ostensibly healthy population. It had not been previously curated by ICSL or reported in the Human Gene Mutation Database (HGMD: prior to June 1st, 2018), and was therefore a candidate for classification through an automated scoring system. Utilizing variant allele frequency, disease prevalence and penetrance estimates, and inheritance mode, an automated score was calculated to assess if this variant is too frequent to cause the disease. Based on the score and internal cut-off values, a variant classified as benign is not then subjected to further curation. The score for this variant resulted in a classification of benign for this disease.

NM_003680.3(YARS1):c.-188G>T

Genes: S100PBP (S100P binding protein; plus strand), YARS1 (tyrosyl-tRNA synthetase 1; minus strand). Cytogenetic location: 1p35.1.
Variant type: single nucleotide variant.
Coding change: c.-188G>T on transcript NM_003680.3; 188 bases upstream of the start codon, G replaced by T.
Genome position (GRCh38, 1-based): chr1:32,817,432, C>A on the plus strand (G>T on the coding strand, the complement: YARS1 is on the minus strand). VCF-style: chr1-32817432-C-A. GRCh37 (hg19) VCF-style: chr1-33283033-C-A.
Identifiers: ClinVar variation 874793 (VCV000874793.6), dbSNP rs184477254, ClinGen allele CA20297649.